The following is an entry in ClinVar:

ClinVar aggregate classification (germline): Uncertain significance. Review status: criteria provided, multiple submitters, no conflicts (2 of 4 stars). 2 submissions from 2 submitters: Uncertain significance (2). Last evaluated 2025-08-20.

Conditions:
Hereditary cancer-predisposing syndrome. Also called: Neoplastic Syndromes, Hereditary; Hereditary Cancer Syndrome; Tumor predisposition; Hereditary neoplastic syndrome. Identifiers: Orphanet 140162, MedGen C0027672, MeSH D009386, MONDO:0015356.

Allele frequency attached by ClinVar (database versions not stated): gnomAD exomes below 0.00001.
gnomAD v4.1: 5 of 1,613,910 alleles (0.00031%); highest among the groups gnomAD compares: Non-Finnish European, 0.00042%; no homozygotes.

Submissions (2):

Ambry Genetics
Classification: Uncertain significance for Hereditary cancer-predisposing syndrome. Last evaluated: 2025-08-20. Review status: criteria provided, single submitter. Criteria: Ambry Variant Classification Scheme 2023. Collection method: clinical testing. Allele origin: germline.
Comment: The p.E696V variant (also known as c.2087A>T), located in coding exon 13 of the RAD50 gene, results from an A to T substitution at nucleotide position 2087. The glutamic acid at codon 696 is replaced by valine, an amino acid with dissimilar properties. This amino acid position is conserved. In addition, this alteration is predicted to be tolerated by in silico analysis. Based on the available evidence, the clinical significance of this variant remains unclear.

Labcorp Genetics (formerly Invitae), Labcorp
Classification: Uncertain significance for Hereditary cancer-predisposing syndrome. Last evaluated: 2019-11-07. Review status: criteria provided, single submitter. Criteria: Invitae Variant Classification Sherloc (09022015). Collection method: clinical testing. Allele origin: germline.
Comment: This sequence change replaces glutamic acid with valine at codon 696 of the RAD50 protein (p.Glu696Val). The glutamic acid residue is moderately conserved and there is a moderate physicochemical difference between glutamic acid and valine. In summary, the available evidence is currently insufficient to determine the role of this variant in disease. Therefore, it has been classified as a Variant of Uncertain Significance. Algorithms developed to predict the effect of missense changes on protein structure and function are either unavailable or do not agree on the potential impact of this missense change (SIFT: "Deleterious"; PolyPhen-2: "Possibly Damaging"; Align-GVGD: "Class C0"). This variant has not been reported in the literature in individuals with RAD50-related conditions. This variant is not present in population databases (ExAC no frequency).

NM_005732.4(RAD50):c.2087A>T (p.Glu696Val)

Gene: RAD50 (RAD50 double strand break repair protein; plus strand). Cytogenetic location: 5q31.1.
Variant type: single nucleotide variant.
Coding change: c.2087A>T on transcript NM_005732.4 (MANE Select); coding-DNA position 2087, A replaced by T.
Protein change: p.Glu696Val; replaces glutamic acid 696 with valine.
Molecular consequence: missense variant.
Genome position (GRCh38, 1-based): chr5:132,595,690, A>T. VCF-style: chr5-132595690-A-T. GRCh37 (hg19) VCF-style: chr5-131931382-A-T.
Other names: short protein forms E696V.
Identifiers: ClinVar variation 969682 (VCV000969682.11), dbSNP rs1750779013, ClinGen allele CA360949957.